The following is an entry in ClinVar:

NM_198060.4(NRAP):c.1470G>A (p.Ser490=)

Gene: NRAP (nebulin related anchoring protein; minus strand). Cytogenetic location: 10q25.3.
Variant type: single nucleotide variant.
Coding change: c.1470G>A on transcript NM_198060.4 (MANE Select); coding-DNA position 1470, G replaced by A.
Protein change: p.Ser490=; no amino-acid change (serine 490 retained).
Molecular consequence: synonymous variant.
Genome position (GRCh38, 1-based): chr10:113,634,169, C>T on the plus strand (G>A on the coding strand, the complement: NRAP is on the minus strand). VCF-style: chr10-113634169-C-T. GRCh37 (hg19) VCF-style: chr10-115393928-C-T.
Other names: c.1470G>A, p.Ser490= (NM_001261463.2, NM_001322945.2); c.1365G>A, p.Ser455= (NM_006175.5); c.1470G>A (NM_198060.3).
Identifiers: ClinVar variation 783581 (VCV000783581.7), dbSNP rs142887772, ClinGen allele CA5695522.

ClinVar aggregate classification (germline): Benign. Review status: criteria provided, multiple submitters, no conflicts (2 of 4 stars). 4 submissions from 4 submitters: Benign (3). 1 of the submissions does not count toward it. Last evaluated 2025-04-09.

Conditions:
NRAP-related disorder. Also called: NRAP-related condition.

Allele frequency attached by ClinVar (database versions not stated): gnomAD exomes 0.00064 and 0.00151; ExAC 0.00166; gnomAD 0.00521 and 0.00549; ESP Exome Variant Server 0.00523; TOPMed 0.00587; 1000 Genomes Project 30x 0.00734; 1000 Genomes Project 0.00739.

Submissions (4):

Molecular Diagnostic Laboratory for Inherited Cardiovascular Disease, Montreal Heart Institute
Classification: Benign. Last evaluated: 2025-04-09. Review status: criteria provided, single submitter. Criteria: ACMG Guidelines, 2015. Collection method: clinical testing. Allele origin: germline. Affected: no.

Labcorp Genetics (formerly Invitae), Labcorp
Classification: Benign. Last evaluated: 2018-11-09. Review status: criteria provided, single submitter. Criteria: Invitae Variant Classification Sherloc (09022015). Collection method: clinical testing. Allele origin: germline.

Breakthrough Genomics
Classification: Benign. Review status: criteria provided, single submitter. Criteria: ACMG Guidelines, 2015. Collection method: not provided. Allele origin: germline. Inheritance: Unknown mechanism. Affected: yes.

PreventionGenetics, part of Exact Sciences
Classification: Benign for NRAP-related condition. Last evaluated: 2019-02-22. Review status: no assertion criteria provided. Collection method: clinical testing. Allele origin: germline. Not counted in ClinVar's aggregate classification.
Comment: This variant is classified as benign based on ACMG/AMP sequence variant interpretation guidelines (Richards et al. 2015 PMID: 25741868, with internal and published modifications).